The following is an entry in ClinVar:

NM_000760.4(CSF3R):c.1457C>T (p.Thr486Met)

Gene: CSF3R (colony stimulating factor 3 receptor; minus strand). Cytogenetic location: 1p34.3.
Variant type: single nucleotide variant.
Coding change: c.1457C>T on transcript NM_000760.4 (MANE Select); coding-DNA position 1457, C replaced by T.
Protein change: p.Thr486Met; replaces threonine 486 with methionine.
Molecular consequence: missense variant.
Genome position (GRCh38, 1-based): chr1:36,469,669, G>A on the plus strand (C>T on the coding strand, the complement: CSF3R is on the minus strand). VCF-style: chr1-36469669-G-A. GRCh37 (hg19) VCF-style: chr1-36935270-G-A.
Other names: c.1457C>T, p.Thr486Met (NM_156039.3, NM_172313.3); short protein forms T486M.
Identifiers: ClinVar variation 1046748 (VCV001046748.26), dbSNP rs759506026, ClinGen allele CA769189.

ClinVar aggregate classification (germline): Uncertain significance. Review status: criteria provided, multiple submitters, no conflicts (2 of 4 stars). 3 submissions from 3 submitters: Uncertain significance (3). Last evaluated 2026-01-22.

Conditions:
Autosomal recessive severe congenital neutropenia due to CSF3R deficiency. Also called: Neutropenia, severe congenital, 7, autosomal recessive. Identifiers: Orphanet 420702, MedGen C4310764, MONDO:0014865, OMIM 617014.

Allele frequency attached by ClinVar (database versions not stated): TOPMed 0.00003; gnomAD exomes 0.00004; ExAC 0.00005; gnomAD 0.00015 and 0.00016.
gnomAD v4.1: 77 of 1,614,000 alleles (0.0048%); highest among the groups gnomAD compares: Non-Finnish European, 0.0052%; no homozygotes.

Submissions (3):

Labcorp Genetics (formerly Invitae), Labcorp
Classification: Uncertain significance for Autosomal recessive severe congenital neutropenia due to CSF3R deficiency. Last evaluated: 2026-01-22. Review status: criteria provided, single submitter. Criteria: Invitae Variant Classification Sherloc (09022015). Collection method: clinical testing. Allele origin: germline.
Comment: This sequence change replaces threonine, which is neutral and polar, with methionine, which is neutral and non-polar, at codon 486 of the CSF3R protein (p.Thr486Met). This variant is present in population databases (rs759506026, gnomAD 0.02%). This missense change has been observed in individual(s) with primary myelofibrosis (PMID: 33108454). ClinVar contains an entry for this variant (Variation ID: 1046748). Invitae Evidence Modeling of protein sequence and biophysical properties (such as structural, functional, and spatial information, amino acid conservation, physicochemical variation, residue mobility, and thermodynamic stability) indicates that this missense variant is not expected to disrupt CSF3R protein function with a negative predictive value of 80%. In summary, the available evidence is currently insufficient to determine the role of this variant in disease. Therefore, it has been classified as a Variant of Uncertain Significance.

CeGaT Center for Human Genetics Tuebingen
Classification: Uncertain significance. Last evaluated: 2024-09-01. Review status: criteria provided, single submitter. Criteria: CeGaT Center For Human Genetics Tuebingen Variant Classification Criteria Version 2. Collection method: clinical testing. Allele origin: germline. Affected: yes. Observed: 1 variant allele.
Comment: CSF3R: PM2, BP4

Genetic Services Laboratory, University of Chicago
Classification: Uncertain significance. Last evaluated: 2019-08-30. Review status: criteria provided, single submitter. Criteria: ACMG Guidelines, 2015. Collection method: clinical testing. Allele origin: germline. Affected: no.

Literature cited by the submitters: PubMed 33108454 (cited by Labcorp Genetics (formerly Invitae), Labcorp).